The following is an entry in ClinVar:

ClinVar aggregate classification (germline): Uncertain significance (1 of 4 stars; one submission).

Conditions:
Hereditary cancer-predisposing syndrome. Also called: Tumor predisposition; Hereditary neoplastic syndrome; Hereditary Cancer Syndrome; Neoplastic Syndromes, Hereditary. Identifiers: Orphanet 140162, MedGen C0027672, MeSH D009386, MONDO:0015356.

Submission:

Ambry Genetics
Classification: Uncertain significance for Hereditary cancer-predisposing syndrome. Last evaluated: 2023-10-24. Review status: criteria provided, single submitter. Criteria: Ambry Variant Classification Scheme 2023. Collection method: clinical testing. Allele origin: germline.
Comment: The p.C1156R variant (also known as c.3466T>C), located in coding exon 22 of the ALK gene, results from a T to C substitution at nucleotide position 3466. The cysteine at codon 1156 is replaced by arginine, an amino acid with highly dissimilar properties. This amino acid position is highly conserved in available vertebrate species. In addition, this alteration is predicted to be deleterious by in silico analysis. Since supporting evidence is limited at this time, the clinical significance of this alteration remains unclear.

NM_004304.5(ALK):c.3466T>C (p.Cys1156Arg)

Gene: ALK (ALK receptor tyrosine kinase; minus strand). Cytogenetic location: 2p23.2.
Variant type: single nucleotide variant.
Coding change: c.3466T>C on transcript NM_004304.5 (MANE Select); coding-DNA position 3466, T replaced by C.
Protein change: p.Cys1156Arg; replaces cysteine 1156 with arginine.
Molecular consequence: missense variant.
Genome position (GRCh38, 1-based): chr2:29,222,393, A>G on the plus strand (T>C on the coding strand, the complement: ALK is on the minus strand). VCF-style: chr2-29222393-A-G. GRCh37 (hg19) VCF-style: chr2-29445259-A-G.
Other names: c.262T>C, p.Cys88Arg (NM_001353765.2); short protein forms C1156R, C88R.
Identifiers: ClinVar variation 3223862 (VCV003223862.1), dbSNP rs2148168703, ClinGen allele CA346463248.